The following is an entry in ClinVar:

ClinVar aggregate classification (germline): Uncertain significance. Review status: criteria provided, multiple submitters, no conflicts (2 of 4 stars). 2 submissions from 2 submitters: Uncertain significance (2). Last evaluated 2025-05-18.

Conditions:
Idiopathic generalized epilepsy. Also called: EIG; Generalised epilepsy. Identifiers: MedGen C0270850, MONDO:0005579, OMIM 600669.
Hyperaldosteronism, familial, type IV (HALD4). Also called: FH IV; ALDOSTERONISM, PRIMARY, AND HYPERTENSION. Identifiers: Orphanet 642671, MedGen C4310756, MONDO:0014875, OMIM 617027.
Inborn genetic diseases. Identifiers: MedGen C0950123, MeSH D030342.

gnomAD v4.1: 3 of 1,545,496 alleles (0.00019%); highest among the groups gnomAD compares: East Asian, 0.0024%; no homozygotes.

Submissions (2):

Ambry Genetics
Classification: Uncertain significance for Inborn genetic diseases. Last evaluated: 2025-05-18. Review status: criteria provided, single submitter. Criteria: Ambry Variant Classification Scheme 2023. Collection method: clinical testing. Allele origin: germline.

Labcorp Genetics (formerly Invitae), Labcorp
Classification: Uncertain significance for Idiopathic generalized epilepsy; Hyperaldosteronism, familial, type IV. Last evaluated: 2023-12-13. Review status: criteria provided, single submitter. Criteria: Invitae Variant Classification Sherloc (09022015). Collection method: clinical testing. Allele origin: germline.
Comment: This sequence change replaces proline, which is neutral and non-polar, with glutamine, which is neutral and polar, at codon 648 of the CACNA1H protein (p.Pro648Gln). This variant is not present in population databases (gnomAD no frequency). This variant has not been reported in the literature in individuals affected with CACNA1H-related conditions. Advanced modeling of protein sequence and biophysical properties (such as structural, functional, and spatial information, amino acid conservation, physicochemical variation, residue mobility, and thermodynamic stability) performed at Invitae indicates that this missense variant is not expected to disrupt CACNA1H protein function with a negative predictive value of 80%. In summary, the available evidence is currently insufficient to determine the role of this variant in disease. Therefore, it has been classified as a Variant of Uncertain Significance.

NM_021098.3(CACNA1H):c.1943C>A (p.Pro648Gln)

Gene: CACNA1H (calcium voltage-gated channel subunit alpha1 H; plus strand). Cytogenetic location: 16p13.3.
Variant type: single nucleotide variant.
Coding change: c.1943C>A on transcript NM_021098.3 (MANE Select); coding-DNA position 1943, C replaced by A.
Protein change: p.Pro648Gln; replaces proline 648 with glutamine.
Molecular consequence: missense variant.
Genome position (GRCh38, 1-based): chr16:1,202,393, C>A. VCF-style: chr16-1202393-C-A. GRCh37 (hg19) VCF-style: chr16-1252393-C-A.
Other names: c.1943C>A, p.Pro648Gln (NM_001005407.2); c.1943C>A (NM_021098.2); short protein forms P648Q.
Identifiers: ClinVar variation 2930601 (VCV002930601.4), dbSNP rs1288484976, ClinGen allele CA394163250.
Genomic context (GRCh38, chr16:1,202,393, plus strand): 5'-CCAGCCCCGGACCCAAGGGGAAGTGGGCCGGTGGACCGCCAGGCACCGGGGGGCACGGCC[C>A]GTTGAGCTTGAACAGCCCTGATCCCTACGAGAAGATCCCGCATGTGGTCGGGGAGCATGG-3'
Protein context (NP_066921.2, residues 638-658): GGPPGTGGHG[Pro648Gln]LSLNSPDPYE